The following is an entry in ClinVar:

ClinVar aggregate classification (germline): Uncertain significance (1 of 4 stars; one submission).

Conditions:
Sulfite oxidase deficiency due to molybdenum cofactor deficiency type A. Also called: Molybdenum Cofactor Deficiency A; Molybdenum cofactor deficiency, complementation group A. Identifiers: Orphanet 308386, Orphanet 833, MedGen C1854988, MONDO:0009643, OMIM 252150.

Allele frequency attached by ClinVar (database versions not stated): gnomAD 0.00002 and 0.00003; TOPMed 0.00002.
gnomAD v4.1: 93 of 1,614,186 alleles (0.0058%); highest among the groups gnomAD compares: South Asian, 0.0099%; no homozygotes.

Submission:

Labcorp Genetics (formerly Invitae), Labcorp
Classification: Uncertain significance for Sulfite oxidase deficiency due to molybdenum cofactor deficiency type A. Last evaluated: 2024-11-04. Review status: criteria provided, single submitter. Criteria: Invitae Variant Classification Sherloc (09022015). Collection method: clinical testing. Allele origin: germline.
Comment: This sequence change replaces arginine, which is basic and polar, with glutamine, which is neutral and polar, at codon 490 of the MOCS1 protein (p.Arg490Gln). This variant is present in population databases (rs774068685, gnomAD 0.01%). This variant has not been reported in the literature in individuals affected with MOCS1-related conditions. ClinVar contains an entry for this variant (Variation ID: 1397039). An algorithm developed to predict the effect of missense changes on protein structure and function outputs the following: PolyPhen-2: "Benign". The glutamine amino acid residue is found in multiple mammalian species, which suggests that this missense change does not adversely affect protein function. In summary, the available evidence is currently insufficient to determine the role of this variant in disease. Therefore, it has been classified as a Variant of Uncertain Significance.

NM_001358530.2(MOCS1):c.1469G>A (p.Arg490Gln)

Gene: MOCS1 (molybdenum cofactor synthesis 1; minus strand). Cytogenetic location: 6p21.2.
Variant type: single nucleotide variant.
Coding change: c.1469G>A on transcript NM_001358530.2 (MANE Select); coding-DNA position 1469, G replaced by A.
Protein change: p.Arg490Gln; replaces arginine 490 with glutamine.
Molecular consequence: missense variant. On other transcripts: 3 prime UTR variant (4), non-coding transcript variant (1).
Genome position (GRCh38, 1-based): chr6:39,906,799, C>T on the plus strand (G>A on the coding strand, the complement: MOCS1 is on the minus strand). VCF-style: chr6-39906799-C-T. GRCh37 (hg19) VCF-style: chr6-39874575-C-T.
Other names: c.*326G>A (NM_001075098.4, NM_001358533.2, NM_001358534.2 and 1 more transcripts); c.1421G>A, p.Arg474Gln (NM_001358529.2); c.1208G>A, p.Arg403Gln (NM_001358531.2); short protein forms R403Q, R490Q, R474Q.
Identifiers: ClinVar variation 1397039 (VCV001397039.4), dbSNP rs774068685, ClinGen allele CA3795940.
Genomic context (GRCh38, chr6:39,906,799, plus strand): 5'-GCTGAAGCCACAGCCACCCGCTCTGTGTCTGGCTTCCTGCCCACATCTACCATAGCTGCC[C>T]GTCCTTCCGAGTCCACATGAGTTAGTTGTTCTGAGGTTAGCTGGGGTCCTGAGGGGGCAG-3'
Protein context (NP_001345459.1, residues 480-500): EQLTHVDSEG[Arg490Gln]AAMVDVGRKP